The following is an entry in ClinVar:

ClinVar aggregate classification (germline): Uncertain significance. Review status: criteria provided, multiple submitters, no conflicts (2 of 4 stars). 5 submissions from 5 submitters: Uncertain significance (5). Last evaluated 2026-08-06.

Conditions:
MYPN-related disorder. Also called: MYPN-related condition.
Cardiovascular phenotype. Identifiers: MedGen CN230736.
Dilated cardiomyopathy 1KK (CMD1KK). Identifiers: Orphanet 154, Orphanet 75249, MedGen C3714995, MONDO:0014100, OMIM 615248.

Allele frequency attached by ClinVar (database versions not stated): gnomAD 0.00002 and 0.00003; gnomAD exomes 0.00002; TOPMed 0.00002; ExAC 0.00003.
gnomAD v4.1: 33 of 1,613,350 alleles (0.002%); highest among the groups gnomAD compares: Middle Eastern, 0.017%; 1 homozygote.

Submissions (5):

PreventionGenetics, part of Exact Sciences
Classification: Uncertain significance for MYPN-related condition. Last evaluated: 2026-08-06. Review status: criteria provided, single submitter. Criteria: ACMG Guidelines, 2015. Collection method: clinical testing. Allele origin: germline.
Comment: The MYPN c.1088C>T variant is predicted to result in the amino acid substitution p.Ser363Phe. To our knowledge, this variant has not been reported in the literature. This variant is reported in 0.012% of alleles in individuals of Latino descent in gnomAD. At this time, the clinical significance of this variant is uncertain due to the absence of conclusive functional and genetic evidence.

Ambry Genetics
Classification: Uncertain significance for Cardiovascular phenotype. Last evaluated: 2025-08-05. Review status: criteria provided, single submitter. Criteria: Ambry Variant Classification Scheme 2023. Collection method: clinical testing. Allele origin: germline.
Comment: The p.S363F variant (also known as c.1088C>T), located in coding exon 3 of the MYPN gene, results from a C to T substitution at nucleotide position 1088. The serine at codon 363 is replaced by phenylalanine, an amino acid with highly dissimilar properties. This amino acid position is highly conserved in available vertebrate species. In addition, the in silico prediction for this alteration is inconclusive. Based on the available evidence, the clinical significance of this variant remains unclear.

GeneDx
Classification: Uncertain significance. Last evaluated: 2024-07-25. Review status: criteria provided, single submitter. Criteria: GeneDx Variant Classification Process June 2021. Collection method: clinical testing. Allele origin: germline. Affected: yes.
Comment: In silico analysis supports that this missense variant has a deleterious effect on protein structure/function; Has not been previously published as pathogenic or benign to our knowledge

Labcorp Genetics (formerly Invitae), Labcorp
Classification: Uncertain significance for Dilated cardiomyopathy 1KK. Last evaluated: 2022-10-18. Review status: criteria provided, single submitter. Criteria: Invitae Variant Classification Sherloc (09022015). Collection method: clinical testing. Allele origin: germline.
Comment: This sequence change replaces serine, which is neutral and polar, with phenylalanine, which is neutral and non-polar, at codon 363 of the MYPN protein (p.Ser363Phe). This variant is present in population databases (rs760566381, gnomAD 0.01%). This variant has not been reported in the literature in individuals affected with MYPN-related conditions. ClinVar contains an entry for this variant (Variation ID: 412009). Algorithms developed to predict the effect of missense changes on protein structure and function are either unavailable or do not agree on the potential impact of this missense change (SIFT: "Deleterious"; PolyPhen-2: "Probably Damaging"; Align-GVGD: "Class C0"). In summary, the available evidence is currently insufficient to determine the role of this variant in disease. Therefore, it has been classified as a Variant of Uncertain Significance.

Stanford Center for Inherited Cardiovascular Disease, Stanford University
Classification: Uncertain significance. Last evaluated: 2017-07-14. Review status: criteria provided, single submitter. Criteria: ACMG Guidelines, 2015. Collection method: provider interpretation. Allele origin: germline.

NM_032578.4(MYPN):c.1088C>T (p.Ser363Phe)

Gene: MYPN (myopalladin; plus strand). Cytogenetic location: 10q21.3.
Variant type: single nucleotide variant.
Coding change: c.1088C>T on transcript NM_032578.4 (MANE Select); coding-DNA position 1088, C replaced by T.
Protein change: p.Ser363Phe; replaces serine 363 with phenylalanine.
Molecular consequence: missense variant. On other transcripts: non-coding transcript variant (2).
Genome position (GRCh38, 1-based): chr10:68,145,484, C>T. VCF-style: chr10-68145484-C-T. GRCh37 (hg19) VCF-style: chr10-69905241-C-T.
Other names: c.1088C>T, p.Ser363Phe (NM_001256267.2); c.206C>T, p.Ser69Phe (NM_001256268.2); c.1088C>T (NM_032578.2); short protein forms S363F, S69F.
Identifiers: ClinVar variation 412009 (VCV000412009.10), dbSNP rs760566381, ClinGen allele CA5522432.